The following is an entry in ClinVar:

ClinVar aggregate classification (germline): Pathogenic. Review status: criteria provided, multiple submitters, no conflicts (2 of 4 stars). 2 submissions from 2 submitters: Pathogenic (2). Last evaluated 2024-01-11.

Conditions:
Birt-Hogg-Dube syndrome. Also called: Birt Hogg Dubé syndrome. Identifiers: Orphanet 122, MedGen C0346010, MONDO:0800444.
Hereditary cancer-predisposing syndrome. Also called: Hereditary neoplastic syndrome; Neoplastic Syndromes, Hereditary; Hereditary Cancer Syndrome; Tumor predisposition. Identifiers: Orphanet 140162, MedGen C0027672, MeSH D009386, MONDO:0015356.

Allele frequency attached by ClinVar (database versions not stated): gnomAD exomes below 0.00001.
gnomAD v4.1: 1 of 1,614,056 alleles (0.000062%); highest among the groups gnomAD compares: East Asian, 0.0022%; no homozygotes.

Submissions (2):

Ambry Genetics
Classification: Pathogenic for Hereditary cancer-predisposing syndrome. Last evaluated: 2024-01-11. Review status: criteria provided, single submitter. Criteria: Ambry Variant Classification Scheme 2023. Collection method: clinical testing. Allele origin: germline.
Comment: The p.S296* pathogenic mutation (also known as c.887C>G), located in coding exon 6 of the FLCN gene, results from a C to G substitution at nucleotide position 887. This changes the amino acid from a serine to a stop codon within coding exon 6. A similar mutation that leads to the same protein truncation (c.887C>A) has been identified in a patient with a clinical diagnosis of Birt-Hogg-Dube syndrome (Kunogi M et al. J Med Genet. 2010 Apr;47(4):281-7). In addition to the clinical data presented in the literature, this alteration is expected to result in loss of function by premature protein truncation or nonsense-mediated mRNA decay. As such, this alteration is interpreted as a disease-causing mutation.

Labcorp Genetics (formerly Invitae), Labcorp
Classification: Pathogenic for Birt-Hogg-Dube syndrome. Last evaluated: 2022-02-20. Review status: criteria provided, single submitter. Criteria: Invitae Variant Classification Sherloc (09022015). Collection method: clinical testing. Allele origin: germline.
Comment: For these reasons, this variant has been classified as Pathogenic. ClinVar contains an entry for this variant (Variation ID: 571069). This premature translational stop signal has been observed in individual(s) with Birt-Hogge-Dubé syndrome (PMID: 30586397). This variant is present in population databases (no rsID available, gnomAD 0.006%). This sequence change creates a premature translational stop signal (p.Ser296*) in the FLCN gene. It is expected to result in an absent or disrupted protein product. Loss-of-function variants in FLCN are known to be pathogenic (PMID: 15852235).

Literature cited by the submitters: PubMed 30586397 (cited by Labcorp Genetics (formerly Invitae), Labcorp); PubMed 15852235 (cited by Labcorp Genetics (formerly Invitae), Labcorp).

NM_144997.7(FLCN):c.887C>G (p.Ser296Ter)

Gene: FLCN (folliculin; minus strand). Cytogenetic location: 17p11.2.
Variant type: single nucleotide variant.
Coding change: c.887C>G on transcript NM_144997.7 (MANE Select); coding-DNA position 887, C replaced by G.
Protein change: p.Ser296Ter; replaces serine 296 with a stop codon.
Molecular consequence: nonsense.
Genome position (GRCh38, 1-based): chr17:17,219,194, G>C on the plus strand (C>G on the coding strand, the complement: FLCN is on the minus strand). VCF-style: chr17-17219194-G-C. GRCh37 (hg19) VCF-style: chr17-17122508-G-C.
Other names: c.887C>G (LRG_325t1); c.941C>G, p.Ser314Ter (NM_001353229.2); c.887C>G, p.Ser296Ter (NM_001353230.2, NM_001353231.2); short protein forms S296*, S314*.
Identifiers: ClinVar variation 571069 (VCV000571069.8), dbSNP rs1490424623, ClinGen allele CA398533081.